The following is an entry in ClinVar:

ClinVar aggregate classification (germline): Likely benign. Review status: reviewed by expert panel (3 of 4 stars). 7 submissions from 7 submitters: Likely benign (1). 6 of the submissions do not count toward it. Last evaluated 2023-08-02.

Conditions:
Familial cancer of breast. Also called: BREAST CANCER, FAMILIAL; Hereditary breast cancer; hereditary breast carcinoma. Identifiers: Orphanet 227535, MedGen C0346153, MONDO:0016419, OMIM 114480. Disease mechanism: loss of function.
Ovarian cancer. Also called: OVARIAN CANCER, SOMATIC. Identifiers: Orphanet 213500, MedGen C1140680, MONDO:0008170, OMIM 167000.
Hereditary cancer-predisposing syndrome. Also called: Hereditary Cancer Syndrome; Neoplastic Syndromes, Hereditary; Tumor predisposition; Hereditary neoplastic syndrome. Identifiers: Orphanet 140162, MedGen C0027672, MeSH D009386, MONDO:0015356.
CDH1-related disorder. Also called: CDH1-related condition.
CDH1-related diffuse gastric and lobular breast cancer syndrome. Also called: CDH1-related diffuse gastric and lobular breast cancer. Identifiers: MedGen CN311521, MONDO:0100488.
Hereditary diffuse gastric adenocarcinoma (HDGC). Also called: DIFFUSE GASTRIC AND LOBULAR BREAST CANCER SYNDROME. Identifiers: Orphanet 26106, MedGen C1708349, MONDO:0007648, OMIM 137215.

Submissions (7):

Clingen Gastric Cancer Variant Curation Expert Panel
Classification: Likely benign for CDH1-related diffuse gastric and lobular breast cancer syndrome. Last evaluated: 2023-08-02. Review status: reviewed by expert panel. Criteria: ClinGen CDH1 ACMG Specifications V3.1. Collection method: curation. Allele origin: germline. Inheritance: Autosomal dominant inheritance.
Comment: The c.173A>T (NM_004360.5) variant in CDH1 is a missense variant predicted to cause substitution of Glu by Val at amino acid 58 (p. Glu58Val). This variant has been observed in more than 10 heterozygous individuals with no DGC, SRC tumours or LBC and and whose families do not suggest HDGC of HDGC (BS2; Invitae, GeneDx, Ambry). This variant is absent in gnomAD v2.1.1 (PM2_Supporting). Although there are both pathogenic and benign types of evidence for this variant, the CDH1 VCEP classified the variant as likely benign for DGLBCS based on BS2 alone. (CDH1 VCEP specifications version 3.1; 04/24/2023)

Labcorp Genetics (formerly Invitae), Labcorp
Classification: Uncertain significance for Hereditary diffuse gastric adenocarcinoma. Last evaluated: 2025-11-27. Review status: criteria provided, single submitter. Criteria: Invitae Variant Classification Sherloc (09022015). Collection method: clinical testing. Allele origin: germline. Not counted in ClinVar's aggregate classification.
Comment: This sequence change replaces glutamic acid, which is acidic and polar, with valine, which is neutral and non-polar, at codon 58 of the CDH1 protein (p.Glu58Val). This variant is not present in population databases (gnomAD no frequency). This variant has not been reported in the literature in individuals affected with CDH1-related conditions. ClinVar contains an entry for this variant (Variation ID: 185930). An algorithm developed to predict the effect of missense changes on protein structure and function (PolyPhen-2) suggests that this variant is likely to be tolerated. In summary, the available evidence is currently insufficient to determine the role of this variant in disease. Therefore, it has been classified as a Variant of Uncertain Significance.

Ambry Genetics
Classification: Likely benign for Hereditary cancer-predisposing syndrome. Last evaluated: 2024-04-26. Review status: criteria provided, single submitter. Criteria: Ambry Variant Classification Scheme 2023. Collection method: clinical testing. Allele origin: germline. Not counted in ClinVar's aggregate classification.

Color Diagnostics, LLC DBA Color Health
Classification: Uncertain significance for Hereditary cancer-predisposing syndrome. Last evaluated: 2024-03-06. Review status: criteria provided, single submitter. Criteria: ACMG Guidelines, 2015. Collection method: clinical testing. Allele origin: germline. Not counted in ClinVar's aggregate classification.
Comment: This missense variant replaces glutamic acid with valine at codon 58 of the CDH1 protein. Splice site prediction tools suggest that this variant may not impact RNA splicing. To our knowledge, functional studies have not been reported for this variant. This variant has not been reported in individuals affected with hereditary cancer in the literature. This variant has not been identified in the general population by the Genome Aggregation Database (gnomAD). The available evidence is insufficient to determine the role of this variant in disease conclusively. Therefore, this variant is classified as a Variant of Uncertain Significance.

GeneDx
Classification: Uncertain significance. Last evaluated: 2024-02-02. Review status: criteria provided, single submitter. Criteria: GeneDx Variant Classification Process June 2021. Collection method: clinical testing. Allele origin: germline. Affected: yes. Not counted in ClinVar's aggregate classification.
Comment: Not observed at significant frequency in large population cohorts (gnomAD); In silico analysis supports that this missense variant does not alter protein structure/function; Has not been previously published as pathogenic or benign to our knowledge; This variant is associated with the following publications: (PMID: 15235021)

Department of Pathology and Laboratory Medicine, Sinai Health System
Classification: Uncertain significance for Familial cancer of breast; Ovarian cancer. Last evaluated: 2022-05-16. Review status: criteria provided, single submitter. Criteria: ACMG Guidelines, 2015. Collection method: clinical testing. Allele origin: germline. Affected: yes. Not counted in ClinVar's aggregate classification.

PreventionGenetics, part of Exact Sciences
Classification: Likely benign for CDH1-related condition. Last evaluated: 2024-08-07. Review status: no assertion criteria provided. Collection method: clinical testing. Allele origin: germline. Not counted in ClinVar's aggregate classification.
Comment: This variant is classified as likely benign based on ACMG/AMP sequence variant interpretation guidelines (Richards et al. 2015 PMID: 25741868, with internal and published modifications).

NM_004360.5(CDH1):c.173A>T (p.Glu58Val)

Gene: CDH1 (cadherin 1; plus strand). Cytogenetic location: 16q22.1.
Variant type: single nucleotide variant.
Coding change: c.173A>T on transcript NM_004360.5 (MANE Select); coding-DNA position 173, A replaced by T.
Protein change: p.Glu58Val; replaces glutamic acid 58 with valine.
Molecular consequence: missense variant. On other transcripts: 5 prime UTR variant (2).
Genome position (GRCh38, 1-based): chr16:68,801,679, A>T. VCF-style: chr16-68801679-A-T. GRCh37 (hg19) VCF-style: chr16-68835582-A-T.
Other names: NM_004360.5(CDH1):c.173A>T; p.Glu58Val; c.173A>T, p.Glu58Val (NM_001317184.2); c.-1443A>T (NM_001317185.2); c.-1647A>T (NM_001317186.2); c.173A>T (LRG_301t1); short protein forms E58V.
Identifiers: ClinVar variation 185930 (VCV000185930.28), dbSNP rs786202570, ClinGen allele CA193402.